The following is an entry in ClinVar:

NM_004311.4(ARL3):c.-8G>C

Gene: ARL3 (ARF like GTPase 3; minus strand). Cytogenetic location: 10q24.32.
Variant type: single nucleotide variant.
Coding change: c.-8G>C on transcript NM_004311.4 (MANE Select); 8 bases upstream of the start codon, G replaced by C.
Molecular consequence: 5 prime UTR variant.
Genome position (GRCh38, 1-based): chr10:102,714,283, C>G on the plus strand (G>C on the coding strand, the complement: ARL3 is on the minus strand). VCF-style: chr10-102714283-C-G. GRCh37 (hg19) VCF-style: chr10-104474040-C-G.
Identifiers: ClinVar variation 3052624 (VCV003052624.2), dbSNP rs1477501222, ClinGen allele CA659079405.

ClinVar aggregate classification (germline): Likely benign (0 of 4 stars; one submission).

Conditions:
ARL3-related disorder. Also called: ARL3-related condition.

Allele frequency attached by ClinVar (database versions not stated): TOPMed 0.00001.
gnomAD v4.1: 6 of 1,312,800 alleles (0.00046%); highest among the groups gnomAD compares: Non-Finnish European, 0.00049%; no homozygotes.

Submission:

PreventionGenetics, part of Exact Sciences
Classification: Likely benign for ARL3-related condition. Last evaluated: 2022-12-15. Review status: no assertion criteria provided. Collection method: clinical testing. Allele origin: germline.
Comment: This variant is classified as likely benign based on ACMG/AMP sequence variant interpretation guidelines (Richards et al. 2015 PMID: 25741868, with internal and published modifications).